The following is an entry in ClinVar:

NM_199420.4(POLQ):c.5819C>G (p.Thr1940Ser)

Gene: POLQ (DNA polymerase theta; minus strand). Cytogenetic location: 3q13.33.
Variant type: single nucleotide variant.
Coding change: c.5819C>G on transcript NM_199420.4 (MANE Select); coding-DNA position 5819, C replaced by G.
Protein change: p.Thr1940Ser; replaces threonine 1940 with serine.
Molecular consequence: missense variant.
Genome position (GRCh38, 1-based): chr3:121,483,537, G>C on the plus strand (C>G on the coding strand, the complement: POLQ is on the minus strand). VCF-style: chr3-121483537-G-C. GRCh37 (hg19) VCF-style: chr3-121202384-G-C.
Other names: short protein forms T1940S.
Identifiers: ClinVar variation 2561737 (VCV002561737.2), dbSNP rs757620811, ClinGen allele CA2562626.

ClinVar aggregate classification (germline): Uncertain significance (1 of 4 stars; one submission).

Allele frequency attached by ClinVar (database versions not stated): gnomAD exomes below 0.00001; ExAC 0.00001.
gnomAD v4.1: 2 of 1,582,174 alleles (0.00013%); highest among the groups gnomAD compares: Non-Finnish European, 0.00017%; no homozygotes.

Submission:

Ambry Genetics
Classification: Uncertain significance. Last evaluated: 2023-03-25. Review status: criteria provided, single submitter. Criteria: Ambry Variant Classification Scheme 2023. Collection method: clinical testing. Allele origin: germline.
Comment: The p.T1940S variant (also known as c.5819C>G), located in coding exon 18 of the POLQ gene, results from a C to G substitution at nucleotide position 5819. The threonine at codon 1940 is replaced by serine, an amino acid with similar properties. This amino acid position is conserved. In addition, this alteration is predicted to be tolerated by in silico analysis. Since supporting evidence is limited at this time, the clinical significance of this alteration remains unclear.